The following is an entry in ClinVar:

NC_000005.9:g.(?_64077833)_(64174102_?)del

Gene: CWC27 (CWC27 spliceosome associated cyclophilin; plus strand). Cytogenetic location: 5q12.3.
Variant type: Deletion.
Identifiers: ClinVar variation 3246512 (VCV003246512.1).

ClinVar aggregate classification (germline): Likely pathogenic (1 of 4 stars; one submission).

Submission:

Labcorp Genetics (formerly Invitae), Labcorp
Classification: Likely pathogenic. Last evaluated: 2020-03-27. Review status: criteria provided, single submitter. Criteria: Invitae Variant Classification Sherloc (09022015). Collection method: clinical testing. Allele origin: unknown.
Comment: In summary, the currently available evidence indicates that the variant is pathogenic, but additional data are needed to prove that conclusively. Therefore, this variant has been classified as Likely Pathogenic. Loss-of-function variants in CWC27 are known to be pathogenic (PMID: 28285769). This variant has not been reported in the literature in individuals with CWC27-related conditions. This variant results in the deletion of part of exon 3 and exons 4-10 (c.225_939-7168del) of the CWC27 gene. It is expected to disrupt RNA splicing and likely results in an absent or disrupted protein product.

Literature cited by the submitters: PubMed 28285769.